The following is an entry in ClinVar:

ClinVar aggregate classification (germline): Uncertain significance (1 of 4 stars; one submission).

Submission:

GeneDx
Classification: Uncertain significance. Last evaluated: 2024-05-31. Review status: criteria provided, single submitter. Criteria: GeneDx Variant Classification Process June 2021. Collection method: clinical testing. Allele origin: germline. Affected: yes.
Comment: Not observed at significant frequency in large population cohorts (gnomAD); In silico analysis supports that this missense variant has a deleterious effect on protein structure/function; Has not been previously published as pathogenic or benign to our knowledge

NM_004521.3(KIF5B):c.1751A>T (p.Asp584Val)

Gene: KIF5B (kinesin family member 5B; minus strand). Cytogenetic location: 10p11.22.
Variant type: single nucleotide variant.
Coding change: c.1751A>T on transcript NM_004521.3 (MANE Select); coding-DNA position 1751, A replaced by T.
Protein change: p.Asp584Val; replaces aspartic acid 584 with valine.
Molecular consequence: missense variant.
Genome position (GRCh38, 1-based): chr10:32,023,011, T>A on the plus strand (A>T on the coding strand, the complement: KIF5B is on the minus strand). VCF-style: chr10-32023011-T-A. GRCh37 (hg19) VCF-style: chr10-32311939-T-A.
Other names: short protein forms D584V.
Identifiers: ClinVar variation 3383888 (VCV003383888.1).
Genomic context (GRCh38, chr10:32,023,011, plus strand): 5'-ATGGTTTTTACTTCTGACTTCATTTTGCTAATGTAGAGTCTTGCAACAGTGAACTCTTCA[T>A]CTATCATGCCAGTTCCCTCAGGCTGCTGTAAGGAAAAAGTAAAATAAAAAATTAAAGCCA-3'
Protein context (NP_004512.1, residues 574-594): VKQPEGTGMI[Asp584Val]EEFTVARLYI